The following is an entry in ClinVar:

NM_024747.6(HPS6):c.260C>T (p.Pro87Leu)

Genes: HPS6 (HPS6 biogenesis of lysosomal organelles complex 2 subunit 3; plus strand), LOC130004578 (ATAC-STARR-seq lymphoblastoid silent region 2738; plus strand). Cytogenetic location: 10q24.32.
Variant type: single nucleotide variant.
Coding change: c.260C>T on transcript NM_024747.6 (MANE Select); coding-DNA position 260, C replaced by T.
Protein change: p.Pro87Leu; replaces proline 87 with leucine.
Molecular consequence: missense variant.
Genome position (GRCh38, 1-based): chr10:102,065,734, C>T. VCF-style: chr10-102065734-C-T. GRCh37 (hg19) VCF-style: chr10-103825491-C-T.
Other names: short protein forms P87L.
Identifiers: ClinVar variation 1954110 (VCV001954110.4), dbSNP rs1480333541, ClinGen allele CA377855699.

ClinVar aggregate classification (germline): Uncertain significance (1 of 4 stars; one submission).

Allele frequency attached by ClinVar (database versions not stated): gnomAD 0.00001; gnomAD exomes 0.00001.
gnomAD v4.1: 9 of 1,502,078 alleles (0.0006%); highest among the groups gnomAD compares: Non-Finnish European, 0.00079%; no homozygotes.

Submission:

Labcorp Genetics (formerly Invitae), Labcorp
Classification: Uncertain significance. Last evaluated: 2024-10-29. Review status: criteria provided, single submitter. Criteria: Invitae Variant Classification Sherloc (09022015). Collection method: clinical testing. Allele origin: germline.
Comment: This sequence change replaces proline, which is neutral and non-polar, with leucine, which is neutral and non-polar, at codon 87 of the HPS6 protein (p.Pro87Leu). This variant is present in population databases (no rsID available, gnomAD 0.002%). This variant has not been reported in the literature in individuals affected with HPS6-related conditions. ClinVar contains an entry for this variant (Variation ID: 1954110). Invitae Evidence Modeling of protein sequence and biophysical properties (such as structural, functional, and spatial information, amino acid conservation, physicochemical variation, residue mobility, and thermodynamic stability) indicates that this missense variant is not expected to disrupt HPS6 protein function with a negative predictive value of 80%. In summary, the available evidence is currently insufficient to determine the role of this variant in disease. Therefore, it has been classified as a Variant of Uncertain Significance.